The following is an entry in ClinVar:

ClinVar aggregate classification (germline): Uncertain significance. Review status: criteria provided, multiple submitters, no conflicts (2 of 4 stars). 4 submissions from 4 submitters: Uncertain significance (4). Last evaluated 2024-09-13.

Conditions:
Acrocallosal syndrome (ACLS). Also called: HALLUX DUPLICATION, POSTAXIAL POLYDACTYLY, AND ABSENCE OF CORPUS CALLOSUM; Schinzel syndrome 1; Absence of corpus callosum with unusual facial appearance, mental deficiency, duplication of the halluces and polydactyly. Identifiers: Orphanet 36, MedGen C0796147, MONDO:0008708, OMIM 200990.
Multiple epiphyseal dysplasia, Al-Gazali type. Also called: Macrocephaly with multiple epiphyseal dysplasia and distinctive facies. Identifiers: Orphanet 166024, MedGen C1846722, MONDO:0011778, OMIM 607131.
Hydrolethalus syndrome 2 (HLS2). Identifiers: Orphanet 2189, MedGen C3279899, MONDO:0013585, OMIM 614120.

Allele frequency attached by ClinVar (database versions not stated): TOPMed 0.00002; gnomAD 0.00003.
gnomAD v4.1: 26 of 1,613,428 alleles (0.0016%); highest among the groups gnomAD compares: South Asian, 0.011%; no homozygotes.

Submissions (4):

Blueprint Genetics
Classification: Uncertain significance. Last evaluated: 2024-09-13. Review status: criteria provided, single submitter. Criteria: ACMG Guidelines, 2015. Collection method: clinical testing. Allele origin: germline.

Fulgent Genetics
Classification: Uncertain significance for Acrocallosal syndrome; Multiple epiphyseal dysplasia, Al-Gazali type; Hydrolethalus syndrome 2. Last evaluated: 2024-02-22. Review status: criteria provided, single submitter. Criteria: ACMG Guidelines, 2015. Collection method: clinical testing. Allele origin: germline.

Labcorp Genetics (formerly Invitae), Labcorp
Classification: Uncertain significance for Acrocallosal syndrome. Last evaluated: 2022-08-16. Review status: criteria provided, single submitter. Criteria: Invitae Variant Classification Sherloc (09022015). Collection method: clinical testing. Allele origin: germline.
Comment: This sequence change replaces arginine, which is basic and polar, with glutamine, which is neutral and polar, at codon 1296 of the KIF7 protein (p.Arg1296Gln). This variant is present in population databases (rs201363681, gnomAD 0.003%). This variant has not been reported in the literature in individuals affected with KIF7-related conditions. Algorithms developed to predict the effect of missense changes on protein structure and function are either unavailable or do not agree on the potential impact of this missense change (SIFT: "Deleterious"; PolyPhen-2: "Benign"; Align-GVGD: "Class C0"). In summary, the available evidence is currently insufficient to determine the role of this variant in disease. Therefore, it has been classified as a Variant of Uncertain Significance.

Revvity Omics, Revvity
Classification: Uncertain significance. Last evaluated: 2019-03-13. Review status: criteria provided, single submitter. Criteria: ACMG Guidelines, 2015. Collection method: clinical testing. Allele origin: germline.

NM_198525.3(KIF7):c.3887G>A (p.Arg1296Gln)

Gene: KIF7 (kinesin family member 7; minus strand). Cytogenetic location: 15q26.1.
Variant type: single nucleotide variant.
Coding change: c.3887G>A on transcript NM_198525.3 (MANE Select); coding-DNA position 3887, G replaced by A.
Protein change: p.Arg1296Gln; replaces arginine 1296 with glutamine.
Molecular consequence: missense variant.
Genome position (GRCh38, 1-based): chr15:89,628,564, C>T on the plus strand (G>A on the coding strand, the complement: KIF7 is on the minus strand). VCF-style: chr15-89628564-C-T. GRCh37 (hg19) VCF-style: chr15-90171795-C-T.
Other names: c.3887G>A (NM_198525.2); short protein forms R1296Q.
Identifiers: ClinVar variation 2069251 (VCV002069251.6), dbSNP rs201363681, ClinGen allele CA274562731.